The following is an entry in ClinVar:

NM_000465.4(BARD1):c.2022A>G (p.Gly674=)

Gene: BARD1 (BRCA1 associated RING domain 1; minus strand). Cytogenetic location: 2q35.
Variant type: single nucleotide variant.
Coding change: c.2022A>G on transcript NM_000465.4 (MANE Select); coding-DNA position 2022, A replaced by G.
Protein change: p.Gly674=; no amino-acid change (glycine 674 retained).
Molecular consequence: synonymous variant. On other transcripts: non-coding transcript variant (3).
Genome position (GRCh38, 1-based): chr2:214,728,988, T>C on the plus strand (A>G on the coding strand, the complement: BARD1 is on the minus strand). VCF-style: chr2-214728988-T-C. GRCh37 (hg19) VCF-style: chr2-215593712-T-C.
Other names: c.1965A>G, p.Gly655= (NM_001282543.2); c.669A>G, p.Gly223= (NM_001282545.2); c.612A>G, p.Gly204= (NM_001282548.2); c.483A>G, p.Gly161= (NM_001282549.2); c.2022A>G (NM_000465.2).
Identifiers: ClinVar variation 793142 (VCV000793142.12), dbSNP rs1574703887, ClinGen allele CA431394136.

ClinVar aggregate classification (germline): Benign/Likely benign. Review status: criteria provided, multiple submitters, no conflicts (2 of 4 stars). 3 submissions from 3 submitters: Benign (1); Likely benign (2). Last evaluated 2025-08-22.

Conditions:
Familial cancer of breast. Also called: Hereditary breast cancer; BREAST CANCER, FAMILIAL; hereditary breast carcinoma. Identifiers: Orphanet 227535, MedGen C0346153, MONDO:0016419, OMIM 114480. Disease mechanism: loss of function.
Hereditary cancer-predisposing syndrome. Also called: Tumor predisposition; Hereditary neoplastic syndrome; Hereditary Cancer Syndrome; Neoplastic Syndromes, Hereditary. Identifiers: Orphanet 140162, MedGen C0027672, MeSH D009386, MONDO:0015356.

Submissions (3):

Ambry Genetics
Classification: Likely benign for Hereditary cancer-predisposing syndrome. Last evaluated: 2025-08-22. Review status: criteria provided, single submitter. Criteria: Ambry Variant Classification Scheme 2023. Collection method: clinical testing. Allele origin: germline.

Myriad Genetics, Inc.
Classification: Benign for Familial cancer of breast. Last evaluated: 2024-07-29. Review status: criteria provided, single submitter. Criteria: Myriad Autosomal Dominant, Autosomal Recessive and X-Linked Classification Criteria (2023). Collection method: clinical testing. Allele origin: unknown.
Comment: This variant is considered benign. This variant is a silent/synonymous amino acid change and it is not expected to impact splicing.

Labcorp Genetics (formerly Invitae), Labcorp
Classification: Likely benign for Familial cancer of breast. Last evaluated: 2018-10-16. Review status: criteria provided, single submitter. Criteria: Invitae Variant Classification Sherloc (09022015). Collection method: clinical testing. Allele origin: germline.